The following is an entry in ClinVar:

NM_024529.5(CDC73):c.57G>A (p.Val19=)

Gene: CDC73 (cell division cycle 73; plus strand). Cytogenetic location: 1q31.2.
Variant type: single nucleotide variant.
Coding change: c.57G>A on transcript NM_024529.5 (MANE Select); coding-DNA position 57, G replaced by A.
Protein change: p.Val19=; no amino-acid change (valine 19 retained).
Molecular consequence: synonymous variant.
Genome position (GRCh38, 1-based): chr1:193,122,257, G>A. VCF-style: chr1-193122257-G-A. GRCh37 (hg19) VCF-style: chr1-193091387-G-A.
Identifiers: ClinVar variation 3729287 (VCV003729287.6).
Genomic context (GRCh38, chr1:193,122,257, plus strand): 5'-GAAGATGGCGGACGTGCTTAGCGTCCTGCGACAGTACAACATCCAGAAGAAGGAGATTGT[G>A]GTGAAGGGAGACGAAGTGATCTTCGGGGAGTTCTCCTGGCCCAAGAATGTGAAGACCAAC-3'
Protein context (NP_078805.3, residues 9-29): RQYNIQKKEI[Val19=]VKGDEVIFGE

ClinVar aggregate classification (germline): Likely benign. Review status: criteria provided, multiple submitters, no conflicts (2 of 4 stars). 2 submissions from 2 submitters: Likely benign (2). Last evaluated 2026-03-01.

Conditions:
Parathyroid carcinoma (PRTC). Also called: Parathyroid gland carcinoma; CDC73-Related Parathyroid Carcinoma. Identifiers: Orphanet 143, MedGen C0687150, MONDO:0012004, OMIM 608266, HP:0006780.

gnomAD v4.1: 4 of 1,614,104 alleles (0.00025%); highest among the groups gnomAD compares: South Asian, 0.0011%; no homozygotes.

Submissions (2):

CeGaT Center for Human Genetics Tuebingen
Classification: Likely benign. Last evaluated: 2026-03-01. Review status: criteria provided, single submitter. Criteria: CeGaT Center For Human Genetics Tuebingen Variant Classification Criteria Version 2. Collection method: clinical testing. Allele origin: germline. Affected: yes. Observed: 1 variant allele.
Comment: CDC73: BP4, BP7

Labcorp Genetics (formerly Invitae), Labcorp
Classification: Likely benign for Parathyroid carcinoma. Last evaluated: 2025-01-21. Review status: criteria provided, single submitter. Criteria: Invitae Variant Classification Sherloc (09022015). Collection method: clinical testing. Allele origin: germline.